The following is an entry in ClinVar:

NM_021224.6(ZNF462):c.365T>A (p.Leu122His)

Gene: ZNF462 (zinc finger protein 462; plus strand). Cytogenetic location: 9q31.2.
Variant type: single nucleotide variant.
Coding change: c.365T>A on transcript NM_021224.6 (MANE Select); coding-DNA position 365, T replaced by A.
Protein change: p.Leu122His; replaces leucine 122 with histidine.
Molecular consequence: missense variant.
Genome position (GRCh38, 1-based): chr9:106,924,277, T>A. VCF-style: chr9-106924277-T-A. GRCh37 (hg19) VCF-style: chr9-109686558-T-A.
Other names: c.365T>A, p.Leu122His (NM_001347997.2); short protein forms L122H.
Identifiers: ClinVar variation 4881561 (VCV004881561.2).

ClinVar aggregate classification (germline): Uncertain significance (1 of 4 stars; one submission).

gnomAD v4.1: 1 of 1,614,076 alleles (0.000062%); highest among the groups gnomAD compares: Non-Finnish European, 0.000085%; no homozygotes.

Submission:

Dasa
Classification: Uncertain significance. Last evaluated: 2025-11-05. Review status: criteria provided, single submitter. Criteria: DASA Assertion Criteria. Collection method: clinical testing. Allele origin: germline.
Comment: NM_021224.6(ZNF462):c.365T>A (p.Leu122His) is a missense variant that results in the substitution of leucine with histidine. This variant is rare in population databases. The currently available literature and clinical evidence are not sufficient to establish a definitive association between this variant and the reported condition. Therefore, this variant is classified as a variant of uncertain significance.